The following is an entry in ClinVar:

ClinVar aggregate classification (germline): Pathogenic/Likely pathogenic. Review status: criteria provided, multiple submitters, no conflicts (2 of 4 stars). 8 submissions from 8 submitters: Pathogenic (1); Likely pathogenic (6). 1 of the submissions does not count toward it. Last evaluated 2026-06-11.

Conditions:
Hereditary cancer-predisposing syndrome. Also called: Tumor predisposition; Neoplastic Syndromes, Hereditary; Hereditary Cancer Syndrome; Hereditary neoplastic syndrome. Identifiers: Orphanet 140162, MedGen C0027672, MeSH D009386, MONDO:0015356.
Inherited breast cancer and ovarian cancer.
Hereditary breast ovarian cancer syndrome. Also called: Hereditary breast and ovarian cancer syndrome (HBOC); Hereditary breast and ovarian cancer syndrome; Hereditary breast and ovarian cancer; Hereditary breast and/or ovarian cancer syndrome; Breast and ovarian cancer; BRCA1- and BRCA2-Associated Hereditary Breast and Ovarian Cancer. Identifiers: Orphanet 145, MedGen C0677776, MeSH D061325, MONDO:0003582. Disease mechanism: loss of function.
Breast-ovarian cancer, familial, susceptibility to, 1 (BROVCA1). Also called: OVARIAN CANCER, SUSCEPTIBILITY TO; BRCA1 Hereditary Breast and Ovarian Cancer. Identifiers: Orphanet 145, MedGen C2676676, MONDO:0011450, OMIM 604370. Disease mechanism: loss of function.

Submissions (9):

Genetics Laboratory, Great Ormond Street Hospital NHS Foundation Trust, North Thames Genomic Laboratory Hub
Classification: Likely pathogenic for Inherited breast cancer and ovarian cancer. Last evaluated: 2026-06-11. Review status: criteria provided, single submitter. Criteria: CanVIG BRCA Gene Specific V1.22. Collection method: clinical testing. Allele origin: germline. Affected: yes.
Comment: PS4_strong, PM2_moderate, PP3_supporting

Labcorp Genetics (formerly Invitae), Labcorp
Classification: Likely pathogenic for Hereditary breast ovarian cancer syndrome. Last evaluated: 2025-06-07. Review status: criteria provided, single submitter. Criteria: Invitae Variant Classification Sherloc (09022015). Collection method: clinical testing. Allele origin: germline.
Comment: This sequence change replaces cysteine, which is neutral and slightly polar, with arginine, which is basic and polar, at codon 61 of the BRCA1 protein (p.Cys61Arg). This variant is not present in population databases (gnomAD no frequency). This missense change has been observed in individual(s) with a personal and/or family history of breast and/or ovarian cancer (PMID: 19329713, 25948282, 26757417, 30078507). This variant is also known as 300T>C. ClinVar contains an entry for this variant (Variation ID: 54360). Invitae Evidence Modeling incorporating data from in vitro experimental studies (PMID: 30209399) indicates that this missense variant is expected to disrupt BRCA1 function with a positive predictive value of 95%. Experimental studies have shown that this missense change affects BRCA1 function (PMID: 22843421, 25823446, 30209399). This variant disrupts the p.Cys61 amino acid residue in BRCA1. Other variant(s) that disrupt this residue have been determined to be pathogenic (PMID: 7894493, 9525870, 11278247, 19594371, 19770520, 22172724). This suggests that this residue is clinically significant, and that variants that disrupt this residue are likely to be disease-causing. In summary, the currently available evidence indicates that the variant is pathogenic, but additional data are needed to prove that conclusively. Therefore, this variant has been classified as Likely Pathogenic.

Ambry Genetics
Classification: Likely pathogenic for Hereditary cancer-predisposing syndrome. Last evaluated: 2024-03-28. Review status: criteria provided, single submitter. Criteria: Ambry Variant Classification Scheme 2023. Collection method: clinical testing. Allele origin: germline.
Comment: The p.C61R variant (also known as c.181T>C), located in coding exon 3 of the BRCA1 gene, results from a T to C substitution at nucleotide position 181. The cysteine at codon 61 is replaced by arginine, an amino acid with highly dissimilar properties. This variant has been observed in multiple individuals with a personal and/or family history that is consistent with BRCA1-related hereditary breast and ovarian cancer syndrome (Al-Mulla F et al. J Clin Pathol, 2009 Apr;62:350-6; Kluska A et al. BMC Med Genomics, 2015 May;8:19; Ng PS et al. Clin Genet, 2016 Oct;90:315-23; Li A et al. Gynecol Oncol, 2018 Oct;151:145-152). One functional study found that this nucleotide substitution to have intermediate function in a high throughput genome editing haploid cell survival assay (Findlay GM et al. Nature, 2018 Oct;562:217-222). Another variant at the same codon, p.C61G (c.181T>G), represents a common mutation in European populations, and has been identified in patients with breast, ovarian, pancreatic, and prostate cancer (Gronwald J et al. J. Med. Genet. 2006 May;43:424-8; Janaviius R. EPMA J. 2010 Sep;1:397-412; Meisel C et al. Arch. Gynecol. Obstet. 2017 May;295:1227-1238; Brand R et al. Cancer. 2018 Sep;124:3520-3527; Ibrahim M et al. BMC Cancer. 2018 02;18:179), and has been shown to be deleterious in functional studies (Towler WI et al. Hum. Mutat. 2013 Mar;34:439-45; Findlay GM et al. Nature. 2018 10;562:217-222). This variant is considered to be rare based on population cohorts in the Genome Aggregation Database (gnomAD). This amino acid position is highly conserved in available vertebrate species. In addition, this alteration is predicted to be deleterious by in silico analysis. Based on the majority of available evidence to date, this variant is likely to be pathogenic.

Baylor Genetics
Classification: Likely pathogenic for Breast-ovarian cancer, familial, susceptibility to, 1. Last evaluated: 2021-06-02. Review status: criteria provided, single submitter. Criteria: ACMG Guidelines, 2015. Collection method: clinical testing. Allele origin: unknown.

Women's Health and Genetics/Laboratory Corporation of America, LabCorp
Classification: Likely pathogenic for Hereditary breast ovarian cancer syndrome. Last evaluated: 2021-02-28. Review status: criteria provided, single submitter. Criteria: LabCorp Variant Classification Summary - May 2015. Collection method: clinical testing. Allele origin: germline.
Comment: Variant summary: BRCA1 c.181T>C (p.Cys61Arg) results in a non-conservative amino acid change located in the RING domain of the encoded protein sequence. Five of five in-silico tools predict a damaging effect of the variant on protein function. The variant was absent in 250754 control chromosomes. c.181T>C has been reported in the literature in multiple individuals affected with Hereditary Breast And Ovarian Cancer Syndrome (example, Rebbeck_2018). These data indicate that the variant is very likely to be associated with disease. At least two publications report somewhat conflicting experimental evidence evaluating an impact on homology directed repair (HDR) capacity (example, Starita_2015, Findlay_2018). The most pronounced variant effect in one study reports a loss of E3 ligase activity, BARD1 binding activity and a predicted loss of homology directed repair (HDR) capacity (Starita_2015). However, a subsequent study by the same authors reports an intermediate HDR activity (Findlay_2018). One clinical diagnostic laboratory and one consortium (CIMBA, captured in Rebbeck_2018) have submitted clinical-significance assessments for this variant to ClinVar after 2014 without evidence for independent evaluation. All submitters classified the variant as pathogenic/likely pathogenic. Based on the evidence outlined above, the variant was classified as likely pathogenic.

Quest Diagnostics Nichols Institute San Juan Capistrano
Classification: Likely pathogenic. Last evaluated: 2018-02-07. Review status: criteria provided, single submitter. Criteria: Quest Diagnostics criteria. Collection method: clinical testing. Allele origin: germline.

Consortium of Investigators of Modifiers of BRCA1/2 (CIMBA), c/o University of Cambridge
Classification: Pathogenic for Breast-ovarian cancer, familial, susceptibility to, 1. Last evaluated: 2015-10-02. Review status: criteria provided, single submitter. Criteria: CIMBA Mutation Classification guidelines May 2016. Collection method: clinical testing. Allele origin: germline.

Breast Cancer Information Core (BIC) (BRCA1)
Classification: Uncertain significance for Breast-ovarian cancer, familial 1. Last evaluated: 2001-11-29. Review status: no assertion criteria provided. Collection method: clinical testing. Allele origin: germline. Affected: yes. Observed: 1 variant allele. Not counted in ClinVar's aggregate classification.

Brotman Baty Institute, University of Washington
No classification provided (evidence only). Condition: Breast-ovarian cancer, familial 1. Review status: no classification provided. Collection method: in vitro. Allele origin: not applicable. Functional consequence: function_uncertain_variant. Not counted in ClinVar's aggregate classification.
ClinVar note: "not provided" was previously submitted as the classification for the variant. However, the classification appeared to be based only on an observation of functional data so it was converted to no classification on 2025-07-30.

Literature cited by the submitters: PubMed 19329713 (cited by Labcorp Genetics (formerly Invitae), Labcorp and Ambry Genetics); PubMed 25948282 (cited by Labcorp Genetics (formerly Invitae), Labcorp and Ambry Genetics); PubMed 26757417 (cited by Labcorp Genetics (formerly Invitae), Labcorp and Ambry Genetics); PubMed 30078507 (cited by Labcorp Genetics (formerly Invitae), Labcorp and Ambry Genetics); PubMed 30209399 (cited by 3 submitters); PubMed 22843421 (cited by Labcorp Genetics (formerly Invitae), Labcorp); PubMed 25823446 (cited by Labcorp Genetics (formerly Invitae), Labcorp and Women's Health and Genetics/Laboratory Corporation of America, LabCorp); PubMed 7894493 (cited by Labcorp Genetics (formerly Invitae), Labcorp); PubMed 9525870 (cited by Labcorp Genetics (formerly Invitae), Labcorp); PubMed 11278247 (cited by Labcorp Genetics (formerly Invitae), Labcorp); PubMed 19594371 (cited by Labcorp Genetics (formerly Invitae), Labcorp); PubMed 19770520 (cited by Labcorp Genetics (formerly Invitae), Labcorp); PubMed 22172724 (cited by Labcorp Genetics (formerly Invitae), Labcorp); PubMed 29446198 (cited by Women's Health and Genetics/Laboratory Corporation of America, LabCorp).

NM_007294.4(BRCA1):c.181T>C (p.Cys61Arg)

Gene: BRCA1 (BRCA1 DNA repair associated; minus strand). Cytogenetic location: 17q21.31.
Variant type: single nucleotide variant.
Coding change: c.181T>C on transcript NM_007294.4 (MANE Select); coding-DNA position 181, T replaced by C.
Protein change: p.Cys61Arg; replaces cysteine 61 with arginine.
Molecular consequence: missense variant. On other transcripts: non-coding transcript variant (1).
Genome position (GRCh38, 1-based): chr17:43,106,487, A>G on the plus strand (T>C on the coding strand, the complement: BRCA1 is on the minus strand). VCF-style: chr17-43106487-A-G. GRCh37 (hg19) VCF-style: chr17-41258504-A-G.
Other names: c.181T>C, p.Cys61Arg (NM_001408438.1, NM_001408439.1, NM_001408440.1 and 168 more transcripts); c.40T>C, p.Cys14Arg (NM_001408452.1, NM_001408453.1, NM_001408454.1 and 99 more transcripts); c.-8T>C (NM_001408478.1, NM_001408479.1, NM_001408480.1 and 58 more transcripts); short protein forms C61R, C14R.
Identifiers: ClinVar variation 54360 (VCV000054360.18), dbSNP rs28897672, ClinGen allele CA001181.